The following is an entry in ClinVar:

NM_014236.4(GNPAT):c.822dup (p.Thr275fs)

Gene: GNPAT (glyceronephosphate O-acyltransferase; plus strand). Cytogenetic location: 1q42.2.
Variant type: Duplication.
Coding change: c.822dup on transcript NM_014236.4 (MANE Select); coding-DNA position 822, one base duplicated (T; older notation c.822dupT).
Protein change: p.Thr275fs; shifts the reading frame from threonine 275.
Molecular consequence: frameshift variant.
Genome position (GRCh38, 1-based): chr1:231,266,063, T duplicated. VCF-style (leftmost placement, unchanged base first): chr1-231266062-A-AT. GRCh37 (hg19) VCF-style: chr1-231401808-A-AT.
Other names: c.639dup, p.Thr214fs (NM_001316350.2); short protein forms T275fs, T214fs.
Identifiers: ClinVar variation 2819004 (VCV002819004.3), dbSNP rs2527024540, ClinGen allele CA2739273942.

ClinVar aggregate classification (germline): Pathogenic (1 of 4 stars; one submission).

Submission:

Labcorp Genetics (formerly Invitae), Labcorp
Classification: Pathogenic. Last evaluated: 2023-01-14. Review status: criteria provided, single submitter. Criteria: Invitae Variant Classification Sherloc (09022015). Collection method: clinical testing. Allele origin: germline.
Comment: For these reasons, this variant has been classified as Pathogenic. This variant has not been reported in the literature in individuals affected with GNPAT-related conditions. This variant is not present in population databases (gnomAD no frequency). This sequence change creates a premature translational stop signal (p.Thr275Tyrfs*7) in the GNPAT gene. It is expected to result in an absent or disrupted protein product. Loss-of-function variants in GNPAT are known to be pathogenic (PMID: 9536089, 21990100).

Literature cited by the submitters: PubMed 9536089; PubMed 21990100.